The following is an entry in ClinVar:

ClinVar aggregate classification (germline): Uncertain significance (1 of 4 stars; one submission).

Allele frequency attached by ClinVar (database versions not stated): gnomAD exomes below 0.00001.
gnomAD v4.1: 1 of 1,613,812 alleles (0.000062%); highest among the groups gnomAD compares: Non-Finnish European, 0.000085%; no homozygotes.

Submission:

Ambry Genetics
Classification: Uncertain significance. Last evaluated: 2024-01-13. Review status: criteria provided, single submitter. Criteria: Ambry Variant Classification Scheme 2023. Collection method: clinical testing. Allele origin: germline.
Comment: The p.D670E variant (also known as c.2010T>A), located in coding exon 10 of the PALLD gene, results from a T to A substitution at nucleotide position 2010. The aspartic acid at codon 670 is replaced by glutamic acid, an amino acid with highly similar properties. This amino acid position is conserved. In addition, this alteration is predicted to be tolerated by in silico analysis. Since supporting evidence is limited at this time, the clinical significance of this alteration remains unclear.

NM_001166108.2(PALLD):c.2010T>A (p.Asp670Glu)

Gene: PALLD (palladin, cytoskeletal associated protein; plus strand). Cytogenetic location: 4q32.3.
Variant type: single nucleotide variant.
Coding change: c.2010T>A on transcript NM_001166108.2 (MANE Select); coding-DNA position 2010, T replaced by A.
Protein change: p.Asp670Glu; replaces aspartic acid 670 with glutamic acid.
Molecular consequence: missense variant. On other transcripts: 5 prime UTR variant (4).
Genome position (GRCh38, 1-based): chr4:168,890,967, T>A. VCF-style: chr4-168890967-T-A. GRCh37 (hg19) VCF-style: chr4-169812118-T-A.
Other names: c.864T>A, p.Asp288Glu (NM_001166109.2); c.549T>A, p.Asp183Glu (NM_001166110.2); c.-112T>A (NM_001367567.1, NM_001367568.1, NM_001367569.1 and 1 more transcripts); c.2010T>A, p.Asp670Glu (NM_016081.4); short protein forms D183E, D288E, D670E.
Identifiers: ClinVar variation 3226762 (VCV003226762.1), dbSNP rs2533587165, ClinGen allele CA358797148.